The following is an entry in ClinVar:

NM_153252.5(BRWD3):c.568C>T (p.Arg190Ter)

Gene: BRWD3 (bromodomain and WD repeat domain containing 3; minus strand). Cytogenetic location: Xq21.1.
Variant type: single nucleotide variant.
Coding change: c.568C>T on transcript NM_153252.5 (MANE Select); coding-DNA position 568, C replaced by T.
Protein change: p.Arg190Ter; replaces arginine 190 with a stop codon.
Molecular consequence: nonsense.
Genome position (GRCh38, 1-based): chrX:80,745,592, G>A on the plus strand (C>T on the coding strand, the complement: BRWD3 is on the minus strand). VCF-style: chrX-80745592-G-A. GRCh37 (hg19) VCF-style: chrX-80001091-G-A.
Other names: c.568C>T (NM_153252.4); short protein forms R190*.
Identifiers: ClinVar variation 374258 (VCV000374258.4), dbSNP rs1057518650, ClinGen allele CA16043719.

ClinVar aggregate classification (germline): Pathogenic. Review status: criteria provided, multiple submitters, no conflicts (2 of 4 stars). 3 submissions from 3 submitters: Pathogenic (2). 1 of the submissions does not count toward it. Last evaluated 2026-03-13.

Conditions:
Intellectual developmental disorder, X-linked 93. Also called: MENTAL RETARDATION, X-LINKED, WITH MACROCEPHALY; Intellectual disability, X-linked 93. Identifiers: MedGen C1970841, MONDO:0010393, OMIM 300659.

Submissions (3):

GeneDx
Classification: Pathogenic. Last evaluated: 2026-03-13. Review status: criteria provided, single submitter. Criteria: GeneDx Variant Classification Process June 2021. Collection method: clinical testing. Allele origin: germline.
Comment: Not observed at significant frequency in large population cohorts (gnomAD); Nonsense variant predicted to result in protein truncation or nonsense mediated decay in a gene for which loss of function is a known mechanism of disease; This variant is associated with the following publications: (PMID: 33057194, 35982159, 35904121, 30628072, 27959697, 28475857, 36414205)

Rady Children's Institute for Genomic Medicine, Rady Children's Hospital San Diego
Classification: Pathogenic for X-linked intellectual developmental disorder-93. Review status: criteria provided, single submitter. Criteria: ACMG Guidelines, 2015. Collection method: clinical testing. Allele origin: germline. Affected: yes.
Comment: This nonsense variant found in exon 7 of 41 is predicted to result in loss of normal protein function through either protein truncation or nonsense-mediated mRNA decay (NMD). This variant has been previously reported in individuals with BRWD3-related syndromic X-linked intellectual disability (PMID: 27959697, 28475857, 31714006). In one individual, the c.568C>T (p.Arg190Ter) variant was inherited from a reportedly unaffected mother, whereas in another individual it was de novo together with another de novo variant in a different gene (CHD8). The c.568C>T (p.Arg190Ter) variant is absent from the gnomAD population database and thus is presumed to be rare. Analysis of the parental samples was negative for the variant, indicating this variant likely occurred as a de novo event. Based on the available evidence, the c.568C>T (p.Arg190Ter) variant is classified as Pathogenic.

Baylor Genetics
Classification: Pathogenic for Intellectual developmental disorder, X-linked 93. Last evaluated: 2015-02-17. Review status: no assertion criteria provided. Collection method: clinical testing. Allele origin: de novo. Inheritance: X-linked inheritance. Affected: yes. Observed: 1 variant allele, 1 heterozygote. Not counted in ClinVar's aggregate classification.